The following is an entry in ClinVar:

NM_172107.4(KCNQ2):c.2465C>T (p.Ala822Val)

Gene: KCNQ2 (potassium voltage-gated channel subfamily Q member 2; minus strand). Cytogenetic location: 20q13.33.
Variant type: single nucleotide variant.
Coding change: c.2465C>T on transcript NM_172107.4 (MANE Select); coding-DNA position 2465, C replaced by T.
Protein change: p.Ala822Val; replaces alanine 822 with valine.
Molecular consequence: missense variant.
Genome position (GRCh38, 1-based): chr20:63,406,798, G>A on the plus strand (C>T on the coding strand, the complement: KCNQ2 is on the minus strand). VCF-style: chr20-63406798-G-A. GRCh37 (hg19) VCF-style: chr20-62038151-G-A.
Other names: p.A822V:GCG>GTG; c.2519C>T, p.Ala840Val (NM_001382235.1); c.2408C>T, p.Ala803Val (NM_001439003.1); c.2378C>T, p.Ala793Val (NM_001439004.1); c.2381C>T, p.Ala794Val (NM_004518.6); c.2411C>T, p.Ala804Val (NM_172106.3); c.2372C>T, p.Ala791Val (NM_172108.5); short protein forms A822V, A791V, A794V, A804V, A840V, A793V, A803V.
Identifiers: ClinVar variation 205934 (VCV000205934.8), dbSNP rs796052661, ClinGen allele CA090957.

ClinVar aggregate classification (germline): Uncertain significance. Review status: criteria provided, multiple submitters, no conflicts (2 of 4 stars). 2 submissions from 2 submitters: Uncertain significance (2). Last evaluated 2024-12-08.

Conditions:
Early-infantile DEE. Also called: Early infantile epileptic encephalopathy; Ohtahara syndrome; Early infantile epileptic encephalopathy with suppression bursts. Identifiers: Orphanet 1934, MedGen C0393706, MONDO:0800491.

Allele frequency attached by ClinVar (database versions not stated): TOPMed below 0.00001; gnomAD 0.00001.
gnomAD v4.1: 9 of 1,612,504 alleles (0.00056%); highest among the groups gnomAD compares: Admixed American, 0.0017%; no homozygotes.

Submissions (2):

Labcorp Genetics (formerly Invitae), Labcorp
Classification: Uncertain significance for Early-infantile DEE. Last evaluated: 2024-12-08. Review status: criteria provided, single submitter. Criteria: Invitae Variant Classification Sherloc (09022015). Collection method: clinical testing. Allele origin: germline.
Comment: This sequence change replaces alanine, which is neutral and non-polar, with valine, which is neutral and non-polar, at codon 822 of the KCNQ2 protein (p.Ala822Val). This variant is present in population databases (rs796052661, gnomAD 0.003%). This variant has not been reported in the literature in individuals affected with KCNQ2-related conditions. ClinVar contains an entry for this variant (Variation ID: 205934). Invitae Evidence Modeling of protein sequence and biophysical properties (such as structural, functional, and spatial information, amino acid conservation, physicochemical variation, residue mobility, and thermodynamic stability) indicates that this missense variant is not expected to disrupt KCNQ2 protein function with a negative predictive value of 95%. In summary, the available evidence is currently insufficient to determine the role of this variant in disease. Therefore, it has been classified as a Variant of Uncertain Significance.

GeneDx
Classification: Uncertain significance. Last evaluated: 2022-02-21. Review status: criteria provided, single submitter. Criteria: GeneDx Variant Classification Process June 2021. Collection method: clinical testing. Allele origin: germline. Affected: yes.
Comment: Missense variants in this gene are often considered pathogenic (HGMD); This substitution is predicated to be within the C-terminal cytoplasmic domain; In silico analysis supports that this missense variant does not alter protein structure/function; Has not been previously published as pathogenic or benign to our knowledge